The following is an entry in ClinVar:

ClinVar aggregate classification (germline): Pathogenic (1 of 4 stars; one submission).

Conditions:
Charcot-Marie-Tooth disease axonal type 2S. Also called: CHARCOT-MARIE-TOOTH NEUROPATHY, TYPE 2S; CHARCOT-MARIE-TOOTH DISEASE, AXONAL, AUTOSOMAL RECESSIVE, TYPE 2S. Identifiers: Orphanet 443073, MedGen C4015349, MONDO:0014511, OMIM 616155.
Autosomal recessive distal spinal muscular atrophy 1. Also called: HMN VI; NEURONOPATHY, SEVERE INFANTILE AXONAL, WITH RESPIRATORY FAILURE; SEVERE INFANTILE AXONAL NEUROPATHY WITH RESPIRATORY FAILURE; SPINAL MUSCULAR ATROPHY, DIAPHRAGMATIC; Spinal muscular atrophy with respiratory distress 1; NEURONOPATHY, DISTAL HEREDITARY MOTOR, HARDING TYPE VI. Identifiers: Orphanet 98920, MedGen C1858517, MONDO:0011436, OMIM 604320.

Submission:

Labcorp Genetics (formerly Invitae), Labcorp
Classification: Pathogenic for Autosomal recessive distal spinal muscular atrophy 1; Charcot-Marie-Tooth disease axonal type 2S. Last evaluated: 2023-11-06. Review status: criteria provided, single submitter. Criteria: Invitae Variant Classification Sherloc (09022015). Collection method: clinical testing. Allele origin: germline.
Comment: This sequence change creates a premature translational stop signal (p.Gln845Argfs*133) in the IGHMBP2 gene. While this is not anticipated to result in nonsense mediated decay, it is expected to disrupt the last 149 amino acid(s) of the IGHMBP2 protein. This variant is not present in population databases (gnomAD no frequency). This variant has not been reported in the literature in individuals affected with IGHMBP2-related conditions. This variant disrupts a region of the IGHMBP2 protein in which other variant(s) (p.Arg971Glufs*4) have been determined to be pathogenic (PMID: 15269181, 25439726, 25568292, 26392352; Invitae). This suggests that this is a clinically significant region of the protein, and that variants that disrupt it are likely to be disease-causing. For these reasons, this variant has been classified as Pathogenic.

Literature cited by the submitters: PubMed 15269181; PubMed 25439726; PubMed 25568292; PubMed 26392352.

NM_002180.3(IGHMBP2):c.2534del (p.Gln845fs)

Gene: IGHMBP2 (immunoglobulin mu DNA binding protein 2; plus strand). Cytogenetic location: 11q13.3.
Variant type: Deletion.
Coding change: c.2534del on transcript NM_002180.3 (MANE Select); coding-DNA position 2534, one base deleted (A; older notation c.2534delA).
Protein change: p.Gln845fs; shifts the reading frame from glutamine 845.
Molecular consequence: frameshift variant.
Genome position (GRCh38, 1-based): chr11:68,937,014, A deleted. VCF-style (leftmost placement, unchanged base first): chr11-68937013-CA-C. GRCh37 (hg19) VCF-style: chr11-68704481-CA-C.
Other names: short protein forms Q845fs.
Identifiers: ClinVar variation 2935417 (VCV002935417.3), dbSNP rs2496076667, ClinGen allele CA2740093135.